The following is an entry in ClinVar:

NM_000051.4(ATM):c.1648A>G (p.Ile550Val)

Gene: ATM (ATM serine/threonine kinase; plus strand). Cytogenetic location: 11q22.3.
Variant type: single nucleotide variant.
Coding change: c.1648A>G on transcript NM_000051.4 (MANE Select); coding-DNA position 1648, A replaced by G.
Protein change: p.Ile550Val; replaces isoleucine 550 with valine.
Molecular consequence: missense variant.
Genome position (GRCh38, 1-based): chr11:108,251,877, A>G. VCF-style: chr11-108251877-A-G. GRCh37 (hg19) VCF-style: chr11-108122604-A-G.
Other names: c.1648A>G, p.Ile550Val (NM_001351834.2); short protein forms I550V.
Identifiers: ClinVar variation 185780 (VCV000185780.33), dbSNP rs202144949, ClinGen allele CA192929.

ClinVar aggregate classification (germline): Conflicting classifications of pathogenicity. Review status: criteria provided, conflicting classifications (1 of 4 stars). 14 submissions from 14 submitters: Uncertain significance (9); Likely benign (4). 1 of the submissions does not count toward it. Last evaluated 2026-08-01.

Conditions:
ATM-related disorder. Also called: ATM-related disorders; ATM-related condition.
Hereditary cancer-predisposing syndrome. Also called: Hereditary neoplastic syndrome; Tumor predisposition; Neoplastic Syndromes, Hereditary; Hereditary Cancer Syndrome. Identifiers: Orphanet 140162, MedGen C0027672, MeSH D009386, MONDO:0015356.
Familial cancer of breast. Also called: hereditary breast carcinoma; Hereditary breast cancer; BREAST CANCER, FAMILIAL. Identifiers: Orphanet 227535, MedGen C0346153, MONDO:0016419, OMIM 114480. Disease mechanism: loss of function.
Ataxia-telangiectasia syndrome (AT). Also called: Ataxia telangiectasia (A-T); LOUIS-BAR SYNDROME; Ataxia-telangiectasia; Cerebello-oculocutaneous telangiectasia; Immunodeficiency with ataxia telangiectasia; Ataxia-telangiectasia, complementation group D. Identifiers: Orphanet 100, MedGen C0004135, MONDO:0008840, OMIM 208900.
Malignant tumor of breast. Also called: Malignant breast neoplasm; Cancer breast. Identifiers: MedGen C0006142, MONDO:0007254. Disease mechanism: loss of function.

Allele frequency attached by ClinVar (database versions not stated): gnomAD 0.00001 and 0.00002; gnomAD exomes 0.00002 and 0.00004; TOPMed 0.00002; ExAC 0.00003.
gnomAD v4.1: 39 of 1,613,830 alleles (0.0024%); highest among the groups gnomAD compares: Middle Eastern, 0.033%; no homozygotes.

Submissions (14):

CeGaT Center for Human Genetics Tuebingen
Classification: Uncertain significance. Last evaluated: 2026-08-01. Review status: criteria provided, single submitter. Criteria: CeGaT Center For Human Genetics Tuebingen Variant Classification Criteria Version 2. Collection method: clinical testing. Allele origin: germline. Affected: yes. Observed: 1 variant allele.
Comment: ATM: PM2, BP4

Women's Health and Genetics/Laboratory Corporation of America, LabCorp
Classification: Uncertain significance. Last evaluated: 2026-06-05. Review status: criteria provided, single submitter. Criteria: LabCorp Variant Classification Summary - May 2015. Collection method: clinical testing. Allele origin: germline.
Comment: Variant summary: ATM c.1648A>G (p.Ile550Val) results in a conservative amino acid change in the encoded protein sequence. Algorithms developed to predict the effect of missense changes on protein structure and function all suggest that this variant is likely to be tolerated. The variant allele was found at a frequency of 3.6e-05 in 251306 control chromosomes. The available data on variant occurrences in the general population are insufficient to allow any conclusion about variant significance. c.1648A>G has been observed in individuals affected with Breast Cancer without strong evidence for causality, and in at least one control individual without cancer (Dork_2001, Tavtigian_2009, Tiao_2017, Rocca_2024). These reports do not provide unequivocal conclusions about association of the variant with Breast Cancer. To our knowledge, no experimental evidence demonstrating an impact on protein function has been reported. The following publications have been ascertained in the context of this evaluation (PMID: 11606401, 39590369, 19781682, 28652578). ClinVar contains an entry for this variant (Variation ID: 185780). Based on the evidence outlined above, the variant was classified as uncertain significance.

PreventionGenetics, part of Exact Sciences
Classification: Uncertain significance for ATM-related condition. Last evaluated: 2026-02-12. Review status: criteria provided, single submitter. Criteria: ACMG Guidelines, 2015. Collection method: clinical testing. Allele origin: germline.
Comment: The ATM c.1648A>G variant is predicted to result in the amino acid substitution p.Ile550Val. This variant has previously been reported in two individuals with breast cancer (Dörk et al. 2001. PubMed ID: 11606401; Tavtigian. 2009. PubMed ID: 19781682). However, two closely related species harbor a valine at the p.Ile550 amino acid position. This variant is reported in 0.0098% of alleles in individuals of South Asian descent in gnomAD and has conflicting interpretations regarding its pathogenicity in ClinVar, ranging from likely benign to uncertain (Variation ID: 185780). At this time, the clinical significance of this variant is uncertain due to the absence of conclusive functional and genetic evidence.

Labcorp Genetics (formerly Invitae), Labcorp
Classification: Uncertain significance for Ataxia-telangiectasia syndrome. Last evaluated: 2026-01-25. Review status: criteria provided, single submitter. Criteria: Invitae Variant Classification Sherloc (09022015). Collection method: clinical testing. Allele origin: germline.
Comment: This sequence change replaces isoleucine, which is neutral and non-polar, with valine, which is neutral and non-polar, at codon 550 of the ATM protein (p.Ile550Val). This variant is present in population databases (rs202144949, gnomAD 0.01%). This missense change has been observed in individual(s) with breast cancer (PMID: 11606401). ClinVar contains an entry for this variant (Variation ID: 185780). Invitae Evidence Modeling of protein sequence and biophysical properties (such as structural, functional, and spatial information, amino acid conservation, physicochemical variation, residue mobility, and thermodynamic stability) indicates that this missense variant is not expected to disrupt ATM protein function with a negative predictive value of 95%. In summary, the available evidence is currently insufficient to determine the role of this variant in disease. Therefore, it has been classified as a Variant of Uncertain Significance.

KCCC/NGS Laboratory, Kuwait Cancer Control Center
Classification: Uncertain significance for Familial cancer of breast. Last evaluated: 2025-08-04. Review status: criteria provided, single submitter. Criteria: ACMG Guidelines, 2015. Collection method: clinical testing. Allele origin: germline. Inheritance: Autosomal dominant inheritance. Affected: yes. Observed: 1 heterozygote.
Comment: This sequence change replaces isoleucine, which is neutral and non-polar, with valine, which is neutral and non-polar, at codon 550 of the ATM protein (p.Ile550Val). This variant is present in population databases (rs202144949, gnomAD 0.01%).

Revvity Omics, Revvity
Classification: Uncertain significance for Ataxia-telangiectasia syndrome. Last evaluated: 2025-07-16. Review status: criteria provided, single submitter. Criteria: ACMG Guidelines, 2015. Collection method: clinical testing. Allele origin: germline.

Color Diagnostics, LLC DBA Color Health
Classification: Likely benign for Hereditary cancer-predisposing syndrome. Last evaluated: 2024-09-18. Review status: criteria provided, single submitter. Criteria: ACMG Guidelines, 2015. Collection method: clinical testing. Allele origin: germline.

Blueprint Genetics
Classification: Likely benign. Last evaluated: 2023-09-26. Review status: criteria provided, single submitter. Criteria: ACMG Guidelines, 2015. Collection method: clinical testing. Allele origin: germline.

MGZ Medical Genetics Center
Classification: Uncertain significance for Familial cancer of breast. Last evaluated: 2022-06-08. Review status: criteria provided, single submitter. Criteria: ACMG Guidelines, 2015. Collection method: clinical testing. Allele origin: germline. Affected: yes. Observed: 1 variant allele.
Comment: ACMG criteria applied: PM2_SUP, BP4

Sema4
Classification: Uncertain significance for Hereditary cancer-predisposing syndrome. Last evaluated: 2021-10-11. Review status: criteria provided, single submitter. Criteria: Sema4 Curation Guidelines. Collection method: curation. Allele origin: germline.
Comment: The ATM c.1648A>G (p.I550V) variant has been reported in several individuals with breast cancer, and was also reported in healthy controls (PMID: 33471991, 11606401, 19781682). It was observed in 10/282706 chromosomes across all populations, with no homozygotes, in the large and broad cohorts of the Genome Aggregation Database (PMID: 32461654). The variant has been reported in ClinVar (Variation ID: 185780). In silico tools suggest the impact of the variant on protein function is benign, though these predictions have not been confirmed by functional studies. The evidence is insufficient to meet ACMG/AMP criteria for classifying the variant as benign or pathogenic. Thus, the clinical significance of this variant is currently uncertain.

GeneDx
Classification: Likely benign. Last evaluated: 2021-01-07. Review status: criteria provided, single submitter. Criteria: GeneDx Variant Classification Process June 2021. Collection method: clinical testing. Allele origin: germline. Affected: yes.
Comment: This variant is associated with the following publications: (PMID: 19781682, 11606401, 26336887)

Baylor Genetics
Classification: Uncertain significance for Ataxia-telangiectasia syndrome. Last evaluated: 2019-09-06. Review status: criteria provided, single submitter. Criteria: ACMG Guidelines, 2015. Collection method: clinical testing. Allele origin: unknown. Affected: yes.
Comment: This variant was determined to be of uncertain significance according to ACMG Guidelines, 2015 [PMID:25741868].

Ambry Genetics
Classification: Likely benign for Hereditary cancer-predisposing syndrome. Last evaluated: 2018-11-27. Review status: criteria provided, single submitter. Criteria: Ambry Variant Classification Scheme 2023. Collection method: clinical testing. Allele origin: germline.

Department of Pathology and Laboratory Medicine, Sinai Health System
Classification: Uncertain significance for Malignant tumor of breast. Review status: no assertion criteria provided. Collection method: clinical testing. Allele origin: unknown. Affected: yes. Study: The Canadian Open Genetics Repository (COGR). Not counted in ClinVar's aggregate classification.
Comment: The ATM p.Ile550Val variant was identified in 1 of 384 proband chromosomes (frequency: 0.003) from individuals with breast cancer (Dork 2001). The variant was identified in dbSNP (rs202144949) as â€šÃ„Ãºwith uncertain significance alleleâ€šÃ„Ã¹, ClinVar (interpreted as "likely benign" by Color and 2 others and "uncertain significance by "Invitae"). The variant was not identified in LOVD 3.0. The variant was identified in control databases in 10 of 277,036 chromosomes at a frequency of 0.00004 (Genome Aggregation Database Feb 27, 2017). The variant was observed in the following populations: Other in 2 of 6458 chromosomes (freq: 0.0003), European in 5 of 126,552 chromosomes (freq: 0.00004), and South Asian in 3 of 30,778 chromosomes (freq: 0.0001). The variant was not observed in the African, Latino, Ashkenazi Jewish, or East Asian populations. The p.Ile550 residue is not conserved in mammals and computational analyses (PolyPhen-2, SIFT, AlignGVGD, BLOSUM, MutationTaster) do not suggest a high likelihood of impact to the protein; however, this information is not predictive enough to rule out pathogenicity. The variant occurs outside of the splicing consensus sequence and in silico or computational prediction software programs (SpliceSiteFinder, MaxEntScan, NNSPLICE, GeneSplicer) do not predict a difference in splicing. In summary, based on the above information the clinical significance of this variant cannot be determined with certainty at this time. This variant is classified as a variant of uncertain significance.

Literature cited by the submitters: PubMed 11606401 (cited by 3 submitters); PubMed 19781682 (cited by 3 submitters); PubMed 28652578 (cited by Women's Health and Genetics/Laboratory Corporation of America, LabCorp); PubMed 39590369 (cited by Women's Health and Genetics/Laboratory Corporation of America, LabCorp); PubMed 33471991 (cited by Sema4).